The following is an entry in ClinVar:

ClinVar aggregate classification (germline): Likely benign. Review status: criteria provided, single submitter (1 of 4 stars). 2 submissions from 2 submitters: Likely benign (1). 1 of the submissions does not count toward it. Last evaluated 2023-03-16.

Conditions:
PCNT-related disorder. Also called: PCNT-related condition.

Allele frequency attached by ClinVar (database versions not stated): ExAC 0.00001; gnomAD 0.00001; TOPMed 0.00001.
gnomAD v4.1: 6 of 1,613,206 alleles (0.00037%); highest among the groups gnomAD compares: Middle Eastern, 0.018%; no homozygotes.

Submissions (2):

Labcorp Genetics (formerly Invitae), Labcorp
Classification: Likely benign. Last evaluated: 2023-03-16. Review status: criteria provided, single submitter. Criteria: Invitae Variant Classification Sherloc (09022015). Collection method: clinical testing. Allele origin: germline.

PreventionGenetics, part of Exact Sciences
Classification: Likely benign for PCNT-related condition. Last evaluated: 2022-11-22. Review status: no assertion criteria provided. Collection method: clinical testing. Allele origin: germline. Not counted in ClinVar's aggregate classification.
Comment: This variant is classified as likely benign based on ACMG/AMP sequence variant interpretation guidelines (Richards et al. 2015 PMID: 25741868, with internal and published modifications).

NM_006031.6(PCNT):c.9747C>T (p.Ser3249=)

Gene: PCNT (pericentrin; plus strand). Cytogenetic location: 21q22.3.
Variant type: single nucleotide variant.
Coding change: c.9747C>T on transcript NM_006031.6 (MANE Select); coding-DNA position 9747, C replaced by T.
Protein change: p.Ser3249=; no amino-acid change (serine 3249 retained).
Molecular consequence: synonymous variant.
Genome position (GRCh38, 1-based): chr21:46,443,856, C>T. VCF-style: chr21-46443856-C-T. GRCh37 (hg19) VCF-style: chr21-47863769-C-T.
Other names: c.9156C>T, p.Ser3052= (NM_001315529.2); c.9747C>T (NM_006031.5).
Identifiers: ClinVar variation 2977819 (VCV002977819.4), dbSNP rs757625924, ClinGen allele CA10081460.
Genomic context (GRCh38, chr21:46,443,856, plus strand): 5'-TAATTCTGGGGAAGGGCCCCGAGCACGACAGCCGCAGTCTCCACCCAGAACCAGAGAGTC[C>T]CCCCCAACCCGGGATGTACCCTCTGGCCACACCAGGGACCCTGCCAGAGGCCGCAGACTG-3'
Protein context (NP_006022.3, residues 3239-3259): QPQSPPRTRE[Ser3249=]PPTRDVPSGH